The following is an entry in ClinVar:

ClinVar aggregate classification (germline): Uncertain significance. Review status: criteria provided, multiple submitters, no conflicts (2 of 4 stars). 2 submissions from 2 submitters: Uncertain significance (2). Last evaluated 2023-11-13.

Conditions:
Developmental and epileptic encephalopathy, 54. Also called: HNRNPU-Related Neurodevelopmental Disorder; Epileptic encephalopathy, early infantile, 54. Identifiers: MedGen C4479319, MONDO:0033363, OMIM 617391.

Submissions (2):

Labcorp Genetics (formerly Invitae), Labcorp
Classification: Uncertain significance for Developmental and epileptic encephalopathy, 54. Last evaluated: 2023-11-13. Review status: criteria provided, single submitter. Criteria: Invitae Variant Classification Sherloc (09022015). Collection method: clinical testing. Allele origin: germline.
Comment: This variant, c.1126_1128del, results in the deletion of 1 amino acid(s) of the HNRNPU protein (p.Glu376del), but otherwise preserves the integrity of the reading frame. This variant is not present in population databases (gnomAD no frequency). This variant has not been reported in the literature in individuals affected with HNRNPU-related conditions. ClinVar contains an entry for this variant (Variation ID: 1213360). Experimental studies and prediction algorithms are not available or were not evaluated, and the functional significance of this variant is currently unknown. In summary, the available evidence is currently insufficient to determine the role of this variant in disease. Therefore, it has been classified as a Variant of Uncertain Significance.

GeneDx
Classification: Uncertain significance. Last evaluated: 2020-07-02. Review status: criteria provided, single submitter. Criteria: GeneDx Variant Classification Process June 2021. Collection method: clinical testing. Allele origin: germline. Affected: yes.
Comment: Not observed in large population cohorts (Lek et al., 2016); In-frame deletion of 1 amino acid in a non-repeat region; In silico analysis supports a deleterious effect on protein structure/function; Has not been previously published as pathogenic or benign to our knowledge

NM_031844.3(HNRNPU):c.1120GAA[2] (p.Glu376del)

Gene: HNRNPU (heterogeneous nuclear ribonucleoprotein U; minus strand). Cytogenetic location: 1q44.
Variant type: Microsatellite.
Coding change: c.1120GAA[2] on transcript NM_031844.3 (MANE Select); two copies in a row of the 3-base unit GAA starting at c.1120; the reference has three copies in a row; one copy, 3 bases deleted.
Protein change: p.Glu376del; deletes glutamic acid 376.
Molecular consequence: inframe deletion.
Genome position (GRCh38, 1-based): chr1:244,858,831-244,858,833, TTC deleted on the plus strand (GAA on the coding strand, the reverse complement: HNRNPU is on the minus strand); deleting any 3 consecutive bases within chr1:244,858,831-244,858,839 gives the same sequence; the position shown is the placement nearest the transcript's 3' end. VCF-style (leftmost placement, unchanged base first): chr1-244858830-ATTC-A. GRCh37 (hg19) VCF-style: chr1-245022132-ATTC-A.
Other names: c.1063GAA[2], p.Glu357del (NM_004501.3); short protein forms E357del, E376del.
Identifiers: ClinVar variation 1213360 (VCV001213360.6), dbSNP rs2102987167, ClinGen allele CA2574463913.
Genomic context (GRCh38, chr1:244,858,830, plus strand): 5'-CATAATCTTCAGTCTCACAGTTGCATGTTTTTATTCCTTTTAGAGAATACCCATAAGAAA[ATTC>A]TTCTTCACCTAAGAAAATAATTAATCTTCATGAAGTAGATGTTTAAAATAGTCCAAAGAC-3'